The following is an entry in ClinVar:

NM_032242.4(PLXNA1):c.4410G>A (p.Gln1470=)

Gene: PLXNA1 (plexin A1; plus strand). Cytogenetic location: 3q21.3.
Variant type: single nucleotide variant.
Coding change: c.4410G>A on transcript NM_032242.4 (MANE Select); coding-DNA position 4410, G replaced by A.
Protein change: p.Gln1470=; no amino-acid change (glutamine 1470 retained).
Molecular consequence: synonymous variant.
Genome position (GRCh38, 1-based): chr3:127,027,987, G>A. VCF-style: chr3-127027987-G-A. GRCh37 (hg19) VCF-style: chr3-126746830-G-A.
Other names: c.4410G>A (NM_032242.3).
Identifiers: ClinVar variation 2748892 (VCV002748892.5), dbSNP rs151286164, ClinGen allele CA2594376.

ClinVar aggregate classification (germline): Benign. Review status: criteria provided, single submitter (1 of 4 stars). 2 submissions from 2 submitters: Benign (1). 1 of the submissions does not count toward it. Last evaluated 2026-01-15.

Conditions:
PLXNA1-related disorder. Also called: PLXNA1-related condition.

Allele frequency attached by ClinVar (database versions not stated): ExAC 0.00022; TOPMed 0.00063; ESP Exome Variant Server 0.00085; gnomAD exomes 0.00005; gnomAD 0.00061; 1000 Genomes Project 30x 0.00016; 1000 Genomes Project 0.00020.
gnomAD v4.1: 177 of 1,613,956 alleles (0.011%); highest among the groups gnomAD compares: African/African-American, 0.19%; no homozygotes.

Submissions (2):

Labcorp Genetics (formerly Invitae), Labcorp
Classification: Benign. Last evaluated: 2026-01-15. Review status: criteria provided, single submitter. Criteria: Invitae Variant Classification Sherloc (09022015). Collection method: clinical testing. Allele origin: germline.

PreventionGenetics, part of Exact Sciences
Classification: Likely benign for PLXNA1-related condition. Last evaluated: 2019-04-11. Review status: no assertion criteria provided. Collection method: clinical testing. Allele origin: germline. Not counted in ClinVar's aggregate classification.
Comment: This variant is classified as likely benign based on ACMG/AMP sequence variant interpretation guidelines (Richards et al. 2015 PMID: 25741868, with internal and published modifications).